The following is an entry in ClinVar:

NM_015466.4(PTPN23):c.2689C>A (p.Pro897Thr)

Gene: PTPN23 (protein tyrosine phosphatase non-receptor type 23; plus strand). Cytogenetic location: 3p21.31.
Variant type: single nucleotide variant.
Coding change: c.2689C>A on transcript NM_015466.4 (MANE Select); coding-DNA position 2689, C replaced by A.
Protein change: p.Pro897Thr; replaces proline 897 with threonine.
Molecular consequence: missense variant.
Genome position (GRCh38, 1-based): chr3:47,410,487, C>A. VCF-style: chr3-47410487-C-A. GRCh37 (hg19) VCF-style: chr3-47451977-C-A.
Other names: c.2311C>A, p.Pro771Thr (NM_001304482.2); short protein forms P897T, P771T.
Identifiers: ClinVar variation 2094117 (VCV002094117.4), dbSNP rs375853008, ClinGen allele CA352559682.

ClinVar aggregate classification (germline): Uncertain significance (1 of 4 stars; one submission).

Submission:

Labcorp Genetics (formerly Invitae), Labcorp
Classification: Uncertain significance. Last evaluated: 2022-04-05. Review status: criteria provided, single submitter. Criteria: Invitae Variant Classification Sherloc (09022015). Collection method: clinical testing. Allele origin: germline.
Comment: In summary, the available evidence is currently insufficient to determine the role of this variant in disease. Therefore, it has been classified as a Variant of Uncertain Significance. Algorithms developed to predict the effect of missense changes on protein structure and function are either unavailable or do not agree on the potential impact of this missense change (SIFT: "Tolerated"; PolyPhen-2: "Not Available"; Align-GVGD: "Class C0"). This variant has not been reported in the literature in individuals affected with PTPN23-related conditions. This variant is not present in population databases (gnomAD no frequency). This sequence change replaces proline, which is neutral and non-polar, with threonine, which is neutral and polar, at codon 897 of the PTPN23 protein (p.Pro897Thr).